The following is an entry in ClinVar:

NM_212552.3(BOLA3):c.259-18T>G

Gene: BOLA3 (bolA family member 3; minus strand). Cytogenetic location: 2p13.1.
Variant type: single nucleotide variant.
Coding change: c.259-18T>G on transcript NM_212552.3 (MANE Select); 18 bases into the intron before coding-DNA position 259, T replaced by G.
Molecular consequence: intron variant.
Genome position (GRCh38, 1-based): chr2:74,135,676, A>C on the plus strand (T>G on the coding strand, the complement: BOLA3 is on the minus strand). VCF-style: chr2-74135676-A-C. GRCh37 (hg19) VCF-style: chr2-74362803-A-C.
Other names: c.170-18T>G (NM_001035505.2).
Identifiers: ClinVar variation 136530 (VCV000136530.11), dbSNP rs142868057, ClinGen allele CA289726.

ClinVar aggregate classification (germline): Benign. Review status: criteria provided, multiple submitters, no conflicts (2 of 4 stars). 3 submissions from 3 submitters: Benign (3). Last evaluated 2026-01-05.

Allele frequency attached by ClinVar (database versions not stated): gnomAD exomes 0.00090; ExAC 0.00101; gnomAD 0.00338 and 0.00357; 1000 Genomes Project 0.00379; TOPMed 0.00386; ESP Exome Variant Server 0.00415; 1000 Genomes Project 30x 0.00422.
gnomAD v4.1: 1,090 of 1,559,950 alleles (0.07%); highest among the groups gnomAD compares: African/African-American, 1.3%; 2 homozygotes.

Submissions (6):

Labcorp Genetics (formerly Invitae), Labcorp
Classification: Benign. Last evaluated: 2026-01-05. Review status: criteria provided, single submitter. Criteria: Invitae Variant Classification Sherloc (09022015). Collection method: clinical testing. Allele origin: germline.

GeneDx
Classification: Benign. Last evaluated: 2014-03-19. Review status: criteria provided, single submitter. Criteria: GeneDx Variant Classification (06012015). Collection method: clinical testing. Allele origin: germline. Affected: yes.
Comment: This variant is considered likely benign or benign based on one or more of the following criteria: it is a conservative change, it occurs at a poorly conserved position in the protein, it is predicted to be benign by multiple in silico algorithms, and/or has population frequency not consistent with disease.

Breakthrough Genomics
Classification: Benign. Review status: criteria provided, single submitter. Criteria: ACMG Guidelines, 2015. Collection method: not provided. Allele origin: germline. Inheritance: Autosomal recessive inheritance. Affected: yes.

Dr. Peter K. Rogan Lab, Western University
No classification provided (evidence only). Condition: Familial cancer of breast. Review status: no classification provided. Collection method: in vitro. Allele origin: not applicable. Functional consequence: retained intron. Not counted in ClinVar's aggregate classification.

Dr. Peter K. Rogan Lab, Western University
No classification provided (evidence only). Condition: Familial cancer of breast. Review status: no classification provided. Collection method: in vitro. Allele origin: not applicable. Functional consequence: retained intron. Not counted in ClinVar's aggregate classification.

Dr. Peter K. Rogan Lab, Western University
No classification provided (evidence only). Condition: Ovarian serous cystadenocarcinoma. Review status: no classification provided. Collection method: in vitro. Allele origin: not applicable. Functional consequence: retained intron. Not counted in ClinVar's aggregate classification.